The following is an entry in ClinVar:

NM_000542.5(SFTPB):c.352G>A (p.Asp118Asn)

Gene: SFTPB (surfactant protein B; minus strand). Cytogenetic location: 2p11.2.
Variant type: single nucleotide variant.
Coding change: c.352G>A on transcript NM_000542.5 (MANE Select); coding-DNA position 352, G replaced by A.
Protein change: p.Asp118Asn; replaces aspartic acid 118 with asparagine.
Molecular consequence: missense variant.
Genome position (GRCh38, 1-based): chr2:85,666,658, C>T on the plus strand (G>A on the coding strand, the complement: SFTPB is on the minus strand). VCF-style: chr2-85666658-C-T. GRCh37 (hg19) VCF-style: chr2-85893781-C-T.
Other names: c.352G>A, p.Asp118Asn (NM_001367281.2, NM_198843.4); short protein forms D118N.
Identifiers: ClinVar variation 619287 (VCV000619287.5), dbSNP rs45557339, ClinGen allele CA1744090.

ClinVar aggregate classification (germline): Uncertain significance. Review status: criteria provided, multiple submitters, no conflicts (2 of 4 stars). 4 submissions from 4 submitters: Uncertain significance (4). Last evaluated 2023-11-14.

Conditions:
Hereditary pulmonary alveolar proteinosis. Also called: Pulmonary surfactant metabolism dysfunction. Identifiers: Orphanet 264675, MedGen C3711368, MONDO:0012580.
Surfactant metabolism dysfunction, pulmonary, 1. Also called: INTERSTITIAL LUNG DISEASE DUE TO SURFACTANT PROTEIN B DEFICIENCY; INTERSTITIAL LUNG DISEASE, NONSPECIFIC, DUE TO SURFACTANT PROTEIN B DEFICIENCY; PULMONARY ALVEOLAR PROTEINOSIS, CONGENITAL, 1; Pulmonary surfactant protein B, deficiency of; Neonatal acute respiratory distress due to SP-B deficiency. Identifiers: Orphanet 217563, MedGen C1968602, MONDO:0009929, OMIM 265120.

Allele frequency attached by ClinVar (database versions not stated): 1000 Genomes Project 30x 0.00031; gnomAD exomes 0.00010 and 0.00021; ExAC 0.00019; gnomAD 0.00019; 1000 Genomes Project 0.00020; ESP Exome Variant Server 0.00023; TOPMed 0.00026.
gnomAD v4.1: 173 of 1,613,776 alleles (0.011%); highest among the groups gnomAD compares: East Asian, 0.065%; 1 homozygote.

Submissions (4):

Labcorp Genetics (formerly Invitae), Labcorp
Classification: Uncertain significance. Last evaluated: 2023-11-14. Review status: criteria provided, single submitter. Criteria: Invitae Variant Classification Sherloc (09022015). Collection method: clinical testing. Allele origin: germline.
Comment: This sequence change replaces aspartic acid, which is acidic and polar, with asparagine, which is neutral and polar, at codon 130 of the SFTPB protein (p.Asp130Asn). This variant is present in population databases (rs45557339, gnomAD 0.2%). This variant has not been reported in the literature in individuals affected with SFTPB-related conditions. ClinVar contains an entry for this variant (Variation ID: 619287). Advanced modeling of protein sequence and biophysical properties (such as structural, functional, and spatial information, amino acid conservation, physicochemical variation, residue mobility, and thermodynamic stability) performed at Invitae indicates that this missense variant is not expected to disrupt SFTPB protein function with a negative predictive value of 80%. In summary, the available evidence is currently insufficient to determine the role of this variant in disease. Therefore, it has been classified as a Variant of Uncertain Significance.

Department of Pathology and Laboratory Medicine, Sinai Health System
Classification: Uncertain significance for Surfactant metabolism dysfunction, pulmonary, 1. Last evaluated: 2023-10-04. Review status: criteria provided, single submitter. Criteria: ACMG Guidelines, 2015. Collection method: research. Allele origin: germline.

Ambry Genetics
Classification: Uncertain significance for Hereditary pulmonary alveolar proteinosis. Last evaluated: 2023-09-29. Review status: criteria provided, single submitter. Criteria: Ambry Variant Classification Scheme 2023. Collection method: clinical testing. Allele origin: germline.

Johns Hopkins Genomics, Johns Hopkins University
Classification: Uncertain significance for Surfactant metabolism dysfunction, pulmonary, 1. Last evaluated: 2019-02-08. Review status: criteria provided, single submitter. Criteria: ACMG Guidelines, 2015. Collection method: clinical testing. Allele origin: germline.
Comment: SFTPB c.352G>A has not been reported in ClinVar nor the literature, to our knowledge. This variant (rs45557339) is rare in large population datasets (gnomAD: 68/282654 alleles; 0.02406%, no homozygotes). Two bioinformatic tools queried predict that this substitution would be tolerated, and the aspartic acid residue at this position is not evolutionarily conserved across species assessed. Due to insufficient evidence that this variant is deleterious, the clinical significance of c.352G>A is uncertain at this time.